The following is an entry in ClinVar:

ClinVar aggregate classification (germline): Uncertain significance (1 of 4 stars; one submission).

Conditions:
THBD-related disorder. Also called: THBD-related condition.

gnomAD v4.1: 7 of 1,608,114 alleles (0.00044%); highest among the groups gnomAD compares: East Asian, 0.0022%; no homozygotes.

Submission:

PreventionGenetics, part of Exact Sciences
Classification: Uncertain significance for THBD-related condition. Last evaluated: 2026-05-26. Review status: criteria provided, single submitter. Criteria: ACMG Guidelines, 2015. Collection method: clinical testing. Allele origin: germline.
Comment: The THBD c.1504G>A variant is predicted to result in the amino acid substitution p.Gly502Ser. To our knowledge, this variant has not been reported in the literature. This variant is reported in 0.0058% of alleles in individuals of East Asian descent in gnomAD. At this time, the clinical significance of this variant is uncertain due to the absence of conclusive functional and genetic evidence.

NM_000361.3(THBD):c.1504G>A (p.Gly502Ser)

Gene: THBD (thrombomodulin; minus strand). Cytogenetic location: 20p11.21.
Variant type: single nucleotide variant.
Coding change: c.1504G>A on transcript NM_000361.3 (MANE Select); coding-DNA position 1504, G replaced by A.
Protein change: p.Gly502Ser; replaces glycine 502 with serine.
Molecular consequence: missense variant.
Genome position (GRCh38, 1-based): chr20:23,048,001, C>T on the plus strand (G>A on the coding strand, the complement: THBD is on the minus strand). VCF-style: chr20-23048001-C-T. GRCh37 (hg19) VCF-style: chr20-23028638-C-T.
Other names: short protein forms G502S.
Identifiers: ClinVar variation 2633649 (VCV002633649.2), dbSNP rs76135678, ClinGen allele CA9787542.
Genomic context (GRCh38, chr20:23,048,001, plus strand): 5'-AGATGCCTATGAGCAAGCCCGAATGCACGAGCCCCACGGCCGGAGGAGTCAAGGTGGAGC[C>T]GGGCGTCGGGCTGGGCGGGGGCTCGCCAGAGCCGCTGTCGCCACCGTCCACCTTGCCGGA-3'
Protein context (NP_000352.1, residues 492-512): SGEPPPSPTP[Gly502Ser]STLTPPAVGL